The following is an entry in ClinVar:

ClinVar aggregate classification (germline): Uncertain significance (1 of 4 stars; one submission).

Conditions:
Diamond-Blackfan anemia 8 (DBA8). Also called: RPS7-Related Diamond-Blackfan Anemia. Identifiers: Orphanet 124, MedGen C2675511, MONDO:0012939, OMIM 612563.

Allele frequency attached by ClinVar (database versions not stated): gnomAD 0.00001; TOPMed 0.00004.
gnomAD v4.1: 6 of 1,614,004 alleles (0.00037%); highest among the groups gnomAD compares: Admixed American, 0.0033%; no homozygotes.

Submission:

Labcorp Genetics (formerly Invitae), Labcorp
Classification: Uncertain significance for Diamond-Blackfan anemia 8. Last evaluated: 2023-09-01. Review status: criteria provided, single submitter. Criteria: Invitae Variant Classification Sherloc (09022015). Collection method: clinical testing. Allele origin: germline.
Comment: An algorithm developed to predict the effect of missense changes on protein structure and function (PolyPhen-2) suggests that this variant is likely to be tolerated. In summary, the available evidence is currently insufficient to determine the role of this variant in disease. Therefore, it has been classified as a Variant of Uncertain Significance. This sequence change replaces valine, which is neutral and non-polar, with alanine, which is neutral and non-polar, at codon 77 of the RPS7 protein (p.Val77Ala). This variant is not present in population databases (gnomAD no frequency). This variant has not been reported in the literature in individuals affected with RPS7-related conditions.

NM_001011.4(RPS7):c.230T>C (p.Val77Ala)

Gene: RPS7 (ribosomal protein S7; plus strand). Cytogenetic location: 2p25.3.
Variant type: single nucleotide variant.
Coding change: c.230T>C on transcript NM_001011.4 (MANE Select); coding-DNA position 230, T replaced by C.
Protein change: p.Val77Ala; replaces valine 77 with alanine.
Molecular consequence: missense variant.
Genome position (GRCh38, 1-based): chr2:3,576,569, T>C. VCF-style: chr2-3576569-T-C. GRCh37 (hg19) VCF-style: chr2-3624159-T-C.
Other names: short protein forms V77A.
Identifiers: ClinVar variation 3021129 (VCV003021129.3), dbSNP rs1434358594, ClinGen allele CA345743018.